The following is an entry in ClinVar:

ClinVar aggregate classification (germline): Conflicting classifications of pathogenicity. Review status: criteria provided, conflicting classifications (1 of 4 stars). 3 submissions from 3 submitters: Uncertain significance (2); Likely benign (1). Last evaluated 2025-03-12.

Conditions:
Basal ganglia calcification, idiopathic, 6 (PFBC6). Also called: PRIMARY FAMILIAL BRAIN CALCIFICATION 6, AUTOSOMAL DOMINANT. Identifiers: Orphanet 1980, MedGen C4225335, MONDO:0014628, OMIM 616413.

Allele frequency attached by ClinVar (database versions not stated): gnomAD exomes 0.00002; ExAC 0.00003; gnomAD 0.00001.
gnomAD v4.1: 30 of 1,611,728 alleles (0.0019%); highest among the groups gnomAD compares: South Asian, 0.032%; no homozygotes.

Submissions (3):

GeneDx
Classification: Uncertain significance. Last evaluated: 2025-03-12. Review status: criteria provided, single submitter. Criteria: GeneDx Variant Classification Process June 2021. Collection method: clinical testing. Allele origin: germline.
Comment: In silico analysis suggests this variant may impact gene splicing. In the absence of RNA/functional studies, the actual effect of this sequence change is unknown.; Has not been previously published as pathogenic or benign to our knowledge

Revvity Omics, Revvity
Classification: Uncertain significance for Basal ganglia calcification, idiopathic, 6. Last evaluated: 2022-05-13. Review status: criteria provided, single submitter. Criteria: ACMG Guidelines, 2015. Collection method: clinical testing. Allele origin: germline.

Labcorp Genetics (formerly Invitae), Labcorp
Classification: Likely benign. Last evaluated: 2021-12-27. Review status: criteria provided, single submitter. Criteria: Invitae Variant Classification Sherloc (09022015). Collection method: clinical testing. Allele origin: germline.

NM_004736.4(XPR1):c.66T>C (p.Tyr22=)

Gene: XPR1 (xenotropic and polytropic retrovirus receptor 1; plus strand). Cytogenetic location: 1q25.3.
Variant type: single nucleotide variant.
Coding change: c.66T>C on transcript NM_004736.4 (MANE Select); coding-DNA position 66, T replaced by C.
Protein change: p.Tyr22=; no amino-acid change (tyrosine 22 retained).
Molecular consequence: synonymous variant. On other transcripts: non-coding transcript variant (1).
Genome position (GRCh38, 1-based): chr1:180,632,267, T>C. VCF-style: chr1-180632267-T-C. GRCh37 (hg19) VCF-style: chr1-180601403-T-C.
Other names: c.66T>C, p.Tyr22= (NM_001135669.2, NM_001328662.2); c.66T>C (NM_004736.3).
Identifiers: ClinVar variation 1937231 (VCV001937231.10), dbSNP rs757202895, ClinGen allele CA1272447.
Genomic context (GRCh38, chr1:180,632,267, plus strand): 5'-GTTCGCCGAGCACCTCTCCGCGCACATCACTCCCGAGTGGAGGAAGCAATACATCCAGTA[T>C]GAGGTACCGGCACGGCTGGGGTGTGGGAGGACTCGGAGGGGCCACCATCTCGCCAGTCCT-3'
Protein context (NP_004727.2, residues 12-32): TPEWRKQYIQ[Tyr22=]EAFKDMLYSA